The following is an entry in ClinVar:

ClinVar aggregate classification (germline): Uncertain significance. Review status: criteria provided, multiple submitters, no conflicts (2 of 4 stars). 3 submissions from 3 submitters: Uncertain significance (3). Last evaluated 2024-11-26.

Allele frequency attached by ClinVar (database versions not stated): gnomAD exomes 0.00004; TOPMed 0.00006; gnomAD 0.00007 and 0.00008; ExAC 0.00011.
gnomAD v4.1: 224 of 1,570,754 alleles (0.014%); highest among the groups gnomAD compares: Non-Finnish European, 0.019%; no homozygotes.

Submissions (3):

Ambry Genetics
Classification: Uncertain significance. Last evaluated: 2024-11-26. Review status: criteria provided, single submitter. Criteria: Ambry Variant Classification Scheme 2023. Collection method: clinical testing. Allele origin: germline.

Labcorp Genetics (formerly Invitae), Labcorp
Classification: Uncertain significance. Last evaluated: 2022-08-09. Review status: criteria provided, single submitter. Criteria: Invitae Variant Classification Sherloc (09022015). Collection method: clinical testing. Allele origin: germline.
Comment: This sequence change replaces asparagine, which is neutral and polar, with serine, which is neutral and polar, at codon 1336 of the SBF1 protein (p.Asn1336Ser). This variant is present in population databases (rs775736052, gnomAD 0.01%). This variant has not been reported in the literature in individuals affected with SBF1-related conditions. ClinVar contains an entry for this variant (Variation ID: 440253). Algorithms developed to predict the effect of missense changes on protein structure and function (SIFT, PolyPhen-2, Align-GVGD) all suggest that this variant is likely to be tolerated. In summary, the available evidence is currently insufficient to determine the role of this variant in disease. Therefore, it has been classified as a Variant of Uncertain Significance.

ARUP Laboratories, Molecular Genetics and Genomics, ARUP Laboratories
Classification: Uncertain significance. Last evaluated: 2016-12-21. Review status: criteria provided, single submitter. Criteria: ARUP Molecular Germline Variant Investigation Process. Collection method: clinical testing. Allele origin: germline.

NM_002972.4(SBF1):c.4007A>G (p.Asn1336Ser)

Gene: SBF1 (SET binding factor 1; minus strand). Cytogenetic location: 22q13.33.
Variant type: single nucleotide variant.
Coding change: c.4007A>G on transcript NM_002972.4 (MANE Select); coding-DNA position 4007, A replaced by G.
Protein change: p.Asn1336Ser; replaces asparagine 1336 with serine.
Molecular consequence: missense variant.
Genome position (GRCh38, 1-based): chr22:50,456,571, T>C on the plus strand (A>G on the coding strand, the complement: SBF1 is on the minus strand). VCF-style: chr22-50456571-T-C. GRCh37 (hg19) VCF-style: chr22-50895000-T-C.
Other names: c.3932A>G, p.Asn1311Ser (NM_001365819.1); c.4007A>G (NM_002972.2); short protein forms N1336S, N1311S.
Identifiers: ClinVar variation 440253 (VCV000440253.12), dbSNP rs775736052, ClinGen allele CA10316438.
Genomic context (GRCh38, chr22:50,456,571, plus strand): 5'-CCAAGGATATAGAGGGCTGCTCGCTGCGGACGCAGGAAGCCCGGGTCGGGAGGGCCCCCG[T>C]TGGCCTGGGGTGGGGCCAGCGCGTCTCTGCCAGCTAGCCGGGAGCCCACATCGGTGCCAA-3'
Protein context (NP_002963.2, residues 1326-1346): GRDALAPPQA[Asn1336Ser]GGPPDPGFLR